The following is an entry in ClinVar:

NM_139321.3(ATRN):c.53C>T (p.Ala18Val)

Genes: ATRN (attractin; plus strand), LOC130065331 (ATAC-STARR-seq lymphoblastoid silent region 12621; plus strand). Cytogenetic location: 20p13.
Variant type: single nucleotide variant.
Coding change: c.53C>T on transcript NM_139321.3 (MANE Select); coding-DNA position 53, C replaced by T.
Protein change: p.Ala18Val; replaces alanine 18 with valine.
Molecular consequence: missense variant. On other transcripts: intron variant (1).
Genome position (GRCh38, 1-based): chr20:3,471,160, C>T. VCF-style: chr20-3471160-C-T. GRCh37 (hg19) VCF-style: chr20-3451807-C-T.
Other names: c.53C>T, p.Ala18Val (NM_001323332.2, NM_139322.4); c.62+26C>T (NM_001207047.3); short protein forms A18V.
Identifiers: ClinVar variation 1919379 (VCV001919379.6), dbSNP rs1298391048, ClinGen allele CA408251542.
Genomic context (GRCh38, chr20:3,471,160, plus strand): 5'-CCGGGAAGATGGTGGCTGCAGCGGCGGCAACTGAGGCAAGGCTGAGGAGGAGGACGGCGG[C>T]GACGGCAGCGCTCGCGGGCAGGAGCGGCGGGCCGCACTGGGACTGGGACGTGACCAGGGC-3'
Protein context (NP_647537.1, residues 8-28): TEARLRRRTA[Ala18Val]TAALAGRSGG

ClinVar aggregate classification (germline): Uncertain significance (1 of 4 stars; one submission).

Allele frequency attached by ClinVar (database versions not stated): gnomAD 0.00001; TOPMed 0.00001.
gnomAD v4.1: 35 of 1,505,518 alleles (0.0023%); highest among the groups gnomAD compares: Middle Eastern, 0.023%; no homozygotes.

Submissions (2):

Labcorp Genetics (formerly Invitae), Labcorp
Classification: Uncertain significance. Last evaluated: 2025-11-10. Review status: criteria provided, single submitter. Criteria: Invitae Variant Classification Sherloc (09022015). Collection method: clinical testing. Allele origin: germline.
Comment: This sequence change replaces alanine, which is neutral and non-polar, with valine, which is neutral and non-polar, at codon 18 of the ATRN protein (p.Ala18Val). The frequency data for this variant in the population databases is considered unreliable, as metrics indicate poor data quality at this position in the gnomAD database. This missense change has been observed in individual(s) with developmental disorders (PMID: 33057194). ClinVar contains an entry for this variant (Variation ID: 1919379). An algorithm developed to predict the effect of missense changes on protein structure and function outputs the following: PolyPhen-2: "Not Available". The valine amino acid residue is found in multiple mammalian species, which suggests that this missense change does not adversely affect protein function. In summary, the available evidence is currently insufficient to determine the role of this variant in disease. Therefore, it has been classified as a Variant of Uncertain Significance.

Dr. Peter K. Rogan Lab, Western University
No classification provided (evidence only). Condition: Sarcoma. Review status: no classification provided. Collection method: in vitro. Allele origin: not applicable. Functional consequence: retained intron. Not counted in ClinVar's aggregate classification.

Literature cited by the submitters: PubMed 33057194 (cited by Labcorp Genetics (formerly Invitae), Labcorp).